The following is an entry in ClinVar:

NM_000202.8(IDS):c.1630C>A (p.Leu544Ile)

Gene: IDS (iduronate 2-sulfatase; minus strand). Cytogenetic location: Xq28.
Variant type: single nucleotide variant.
Coding change: c.1630C>A on transcript NM_000202.8 (MANE Select); coding-DNA position 1630, C replaced by A.
Protein change: p.Leu544Ile; replaces leucine 544 with isoleucine.
Molecular consequence: missense variant.
Genome position (GRCh38, 1-based): chrX:149,482,769, G>T on the plus strand (C>A on the coding strand, the complement: IDS is on the minus strand). VCF-style: chrX-149482769-G-T. GRCh37 (hg19) VCF-style: chrX-148564300-G-T.
Other names: c.1360C>A, p.Leu454Ile (NM_001166550.4); short protein forms L454I, L544I.
Identifiers: ClinVar variation 2917445 (VCV002917445.3), dbSNP rs2520751980, ClinGen allele CA414517656.

ClinVar aggregate classification (germline): Uncertain significance (1 of 4 stars; one submission).

Conditions:
Mucopolysaccharidosis, MPS-II (MPS2). Also called: Mucopolysaccharidosis type 2; Mucopolysaccharidosis with skin involvement; IDS deficiency; Sulfoiduronate sulfatase deficiency; SIDS deficiency; Attenuated MPS (subtype; formerly known as mild MPS II). Identifiers: Orphanet 580, Orphanet 79388, MedGen C0026705, MONDO:0010674, OMIM 309900.

Submission:

Labcorp Genetics (formerly Invitae), Labcorp
Classification: Uncertain significance for Mucopolysaccharidosis, MPS-II. Last evaluated: 2025-04-17. Review status: criteria provided, single submitter. Criteria: Invitae Variant Classification Sherloc (09022015). Collection method: clinical testing. Allele origin: germline.
Comment: This sequence change replaces leucine, which is neutral and non-polar, with isoleucine, which is neutral and non-polar, at codon 544 of the IDS protein (p.Leu544Ile). This variant is not present in population databases (gnomAD no frequency). This variant has not been reported in the literature in individuals affected with IDS-related conditions. ClinVar contains an entry for this variant (Variation ID: 2917445). Invitae Evidence Modeling of protein sequence and biophysical properties (such as structural, functional, and spatial information, amino acid conservation, physicochemical variation, residue mobility, and thermodynamic stability) indicates that this missense variant is not expected to disrupt IDS protein function with a negative predictive value of 95%. In summary, the available evidence is currently insufficient to determine the role of this variant in disease. Therefore, it has been classified as a Variant of Uncertain Significance.